The following is an entry in ClinVar:

NM_198904.4(GABRG2):c.734T>G (p.Leu245Arg)

Gene: GABRG2 (gamma-aminobutyric acid type A receptor subunit gamma2; plus strand). Cytogenetic location: 5q34.
Variant type: single nucleotide variant.
Coding change: c.734T>G on transcript NM_198904.4 (MANE Select); coding-DNA position 734, T replaced by G.
Protein change: p.Leu245Arg; replaces leucine 245 with arginine.
Molecular consequence: missense variant.
Genome position (GRCh38, 1-based): chr5:162,103,991, T>G. VCF-style: chr5-162103991-T-G. GRCh37 (hg19) VCF-style: chr5-161530997-T-G.
Other names: c.734T>G, p.Leu245Arg (NM_000816.3, NM_001375340.1, NM_001375341.1 and 2 more transcripts); c.725T>G, p.Leu242Arg (NM_001375339.1); c.854T>G, p.Leu285Arg (NM_001375343.1, NM_198903.2); c.668T>G, p.Leu223Arg (NM_001375345.1, NM_001375346.1); c.647T>G, p.Leu216Arg (NM_001375347.1); c.314T>G, p.Leu105Arg (NM_001375348.1, NM_001375350.1); c.449T>G, p.Leu150Arg (NM_001375349.1); short protein forms L105R, L150R, L216R, L223R, L242R, L245R, L285R.
Identifiers: ClinVar variation 3753884 (VCV003753884.2).

ClinVar aggregate classification (germline): Uncertain significance (1 of 4 stars; one submission).

Conditions:
Febrile seizures, familial, 8 (FEB8). Also called: CONVULSIONS, FAMILIAL FEBRILE, 8. Identifiers: Orphanet 36387, MedGen C1969810, MONDO:0011891, OMIM 607681.
EPILEPSY, CHILDHOOD ABSENCE, SUSCEPTIBILITY TO, 2 (ECA2). Identifiers: Orphanet 64280, MedGen C1843244, OMIM 607681.

Submission:

Labcorp Genetics (formerly Invitae), Labcorp
Classification: Uncertain significance for Febrile seizures, familial, 8; EPILEPSY, CHILDHOOD ABSENCE, SUSCEPTIBILITY TO, 2. Last evaluated: 2024-07-11. Review status: criteria provided, single submitter. Criteria: Invitae Variant Classification Sherloc (09022015). Collection method: clinical testing. Allele origin: germline.
Comment: This sequence change replaces leucine, which is neutral and non-polar, with arginine, which is basic and polar, at codon 245 of the GABRG2 protein (p.Leu245Arg). This variant is not present in population databases (gnomAD no frequency). This variant has not been reported in the literature in individuals affected with GABRG2-related conditions. Advanced modeling of protein sequence and biophysical properties (such as structural, functional, and spatial information, amino acid conservation, physicochemical variation, residue mobility, and thermodynamic stability) performed at Invitae indicates that this missense variant is expected to disrupt GABRG2 protein function with a positive predictive value of 80%. In summary, the available evidence is currently insufficient to determine the role of this variant in disease. Therefore, it has been classified as a Variant of Uncertain Significance.